The following is an entry in ClinVar:

NM_000443.4(ABCB4):c.1210C>T (p.Pro404Ser)

Gene: ABCB4 (ATP binding cassette subfamily B member 4; minus strand). Cytogenetic location: 7q21.12.
Variant type: single nucleotide variant.
Coding change: c.1210C>T on transcript NM_000443.4 (MANE Select); coding-DNA position 1210, C replaced by T.
Protein change: p.Pro404Ser; replaces proline 404 with serine.
Molecular consequence: missense variant.
Genome position (GRCh38, 1-based): chr7:87,443,683, G>A on the plus strand (C>T on the coding strand, the complement: ABCB4 is on the minus strand). VCF-style: chr7-87443683-G-A. GRCh37 (hg19) VCF-style: chr7-87072999-G-A.
Other names: c.1210C>T, p.Pro404Ser (NM_018849.3, NM_018850.3); short protein forms P404S.
Identifiers: ClinVar variation 1687293 (VCV001687293.1), dbSNP rs863225298, ClinGen allele CA368045099.

ClinVar aggregate classification (germline): Uncertain significance (1 of 4 stars; one submission).

Conditions:
Progressive familial intrahepatic cholestasis type 3. Also called: Low Gamma-GT Familial Intrahepatic Cholestasis; MDR3 DEFICIENCY. Identifiers: Orphanet 79305, MedGen C1865643, MONDO:0011214, OMIM 602347.

Submission:

3billion
Classification: Uncertain significance for Progressive familial intrahepatic cholestasis type 3. Last evaluated: 2022-05-22. Review status: criteria provided, single submitter. Criteria: ACMG Guidelines, 2015. Collection method: clinical testing. Allele origin: germline. Affected: yes. Observed: 1 heterozygote.
Comment: The variant is not observed in the gnomAD v2.1.1 dataset. In silico tool predictions suggest damaging effect of the variant on gene or gene product (REVEL: 0.81; 3Cnet: 0.53). A different missense change at the same codon (p.Pro404Ala) has been reported to be associated with ABCB4 related disorder (ClinVar ID: VCV000242455 / PMID: 31538484). Therefore, this variant is classified as uncertain significanceaccording to the recommendation of ACMG/AMP guideline.

Literature cited by the submitters: PubMed 31538484.